The following is an entry in ClinVar:

NM_000465.4(BARD1):c.1973G>A (p.Arg658His)

Gene: BARD1 (BRCA1 associated RING domain 1; minus strand). Cytogenetic location: 2q35.
Variant type: single nucleotide variant.
Coding change: c.1973G>A on transcript NM_000465.4 (MANE Select); coding-DNA position 1973, G replaced by A.
Protein change: p.Arg658His; replaces arginine 658 with histidine.
Molecular consequence: missense variant. On other transcripts: non-coding transcript variant (3).
Genome position (GRCh38, 1-based): chr2:214,730,439, C>T on the plus strand (G>A on the coding strand, the complement: BARD1 is on the minus strand). VCF-style: chr2-214730439-C-T. GRCh37 (hg19) VCF-style: chr2-215595163-C-T.
Other names: NP_000456.2:p.Arg658His; (p.Arg658His); c.1916G>A, p.Arg639His (NM_001282543.2); c.620G>A, p.Arg207His (NM_001282545.2); c.563G>A, p.Arg188His (NM_001282548.2); c.434G>A, p.Arg145His (NM_001282549.2); short protein forms R658H, R639H, R145H, R188H, R207H.
Identifiers: ClinVar variation 230212 (VCV000230212.35), dbSNP rs377227840, ClinGen allele CA2090111.

ClinVar aggregate classification (germline): Conflicting classifications of pathogenicity. Review status: criteria provided, conflicting classifications (1 of 4 stars). 15 submissions from 15 submitters: Uncertain significance (6); Benign (2); Likely benign (7). Last evaluated 2026-04-27.

Conditions:
BARD1-related disorder. Also called: BARD1-related condition.
Hereditary cancer. Identifiers: MedGen C1333600.
Hereditary cancer-predisposing syndrome. Also called: Neoplastic Syndromes, Hereditary; Tumor predisposition; Hereditary Cancer Syndrome; Hereditary neoplastic syndrome. Identifiers: Orphanet 140162, MedGen C0027672, MeSH D009386, MONDO:0015356.
Hereditary breast ovarian cancer syndrome. Also called: Hereditary breast and ovarian cancer; Hereditary breast and ovarian cancer syndrome (HBOC); Breast and ovarian cancer; BRCA1- and BRCA2-Associated Hereditary Breast and Ovarian Cancer; Hereditary breast and/or ovarian cancer syndrome; Hereditary breast and ovarian cancer syndrome. Identifiers: Orphanet 145, MedGen C0677776, MeSH D061325, MONDO:0003582. Disease mechanism: loss of function.
Familial cancer of breast. Also called: hereditary breast carcinoma; BREAST CANCER, FAMILIAL; Hereditary breast cancer. Identifiers: Orphanet 227535, MedGen C0346153, MONDO:0016419, OMIM 114480. Disease mechanism: loss of function.

Allele frequency attached by ClinVar (database versions not stated): ExAC 0.00005; gnomAD 0.00006 and 0.00007; ESP Exome Variant Server 0.00008; gnomAD exomes 0.00008; TOPMed 0.00008; 1000 Genomes Project 0.00040; 1000 Genomes Project 30x 0.00047.
gnomAD v4.1: 54 of 1,613,794 alleles (0.0033%); highest among the groups gnomAD compares: Admixed American, 0.02%; no homozygotes.

Submissions (15):

PreventionGenetics, part of Exact Sciences
Classification: Uncertain significance for BARD1-related condition. Last evaluated: 2026-04-27. Review status: criteria provided, single submitter. Criteria: ACMG Guidelines, 2015. Collection method: clinical testing. Allele origin: germline.
Comment: The BARD1 c.1973G>A variant is predicted to result in the amino acid substitution p.Arg658His. This variant has been reported in an individual with uveal melanoma that harbored variants in other genes (Table 1, Hajkova et al. 2018. PubMed ID: 29769598). This variant has also been reported in individuals with breast cancer as well as in controls (Supplementary Table 3, Guindalini et al. 2022. PubMed ID: 35264596; Supplementary Data, Dorling et al. 2021. PubMed ID: 33471991). This variant is reported in 0.031% of alleles in individuals of Latino descent in gnomAD and has conflicting interpretations regarding its pathogenicity in ClinVar, ranging from benign to uncertain (Variation ID: 230212). Although we suspect this variant may be benign, at this time, the clinical significance of this variant is uncertain due to the absence of conclusive functional and genetic evidence.

Labcorp Genetics (formerly Invitae), Labcorp
Classification: Uncertain significance for Familial cancer of breast. Last evaluated: 2026-01-27. Review status: criteria provided, single submitter. Criteria: Invitae Variant Classification Sherloc (09022015). Collection method: clinical testing. Allele origin: germline.
Comment: This sequence change replaces arginine, which is basic and polar, with histidine, which is basic and polar, at codon 658 of the BARD1 protein (p.Arg658His). This variant is present in population databases (rs377227840, gnomAD 0.03%). This missense change has been observed in individual(s) with breast/ovarian cancer and/or uveal melanoma (PMID: 29769598, 35264596, 40649708). ClinVar contains an entry for this variant (Variation ID: 230212). An algorithm developed to predict the effect of missense changes on protein structure and function outputs the following: PolyPhen-2: "Benign". The histidine amino acid residue is found in multiple mammalian species, which suggests that this missense change does not adversely affect protein function. In summary, the available evidence is currently insufficient to determine the role of this variant in disease. Therefore, it has been classified as a Variant of Uncertain Significance.

Dipartimento Di Medicina Di Precisione, Università Degli Studi Della Campania Luigi Vanvitelli
Classification: Benign for Familial cancer of breast. Last evaluated: 2025-07-16. Review status: criteria provided, single submitter. Criteria: ACMG Guidelines, 2015. Collection method: clinical testing. Allele origin: germline. Affected: yes. Observed: 1 heterozygote.
Comment: This missense variant c.1973G>A (p.Arg658His) in the BARD1 gene affects exon 9 and results in the substitution of arginine with histidine at codon 658, located within the BRCT domain. In silico predictive tools support a benign impact on protein function: BayesDel and REVEL both classify this variant as likely benign. The affected residue is moderately conserved and the physicochemical difference between arginine and histidine is modest. Based on these findings, this variant is interpreted as likely benign.

Quest Diagnostics Nichols Institute San Juan Capistrano
Classification: Uncertain significance. Last evaluated: 2025-04-07. Review status: criteria provided, single submitter. Criteria: Quest Diagnostics criteria. Collection method: clinical testing. Allele origin: unknown.
Comment: The BARD1 c.1973G>A (p.Arg658His) variant has been reported in the published literature in individuals with breast cancer (PMIDs: 25186627 (2015)), 35264596 (2022)) and uveal melanoma (PMID: 29769598 (2018)), as well as in reportedly unaffected individuals in a large scale breast cancer association study (PMID: 33471991 (2021), see also LOVD) and a retrospective case-control breast cancer study (PMID: 38153744 (2023)). In addition, this variant was seen in co-occurrence with an ATM missense variant of uncertain significance in a breast cancer patient (PMID: 34204722). The frequency of this variant in the general population (Genome Aggregation Database) is higher than would generally be expected for pathogenic variants in this gene. Analysis of this variant using bioinformatics tools for the prediction of the effect of amino acid changes on protein structure and function yielded predictions that this variant is benign. Based on the available information, we are unable to determine the clinical significance of this variant.

Women's Health and Genetics/Laboratory Corporation of America, LabCorp
Classification: Uncertain significance. Last evaluated: 2025-02-11. Review status: criteria provided, single submitter. Criteria: LabCorp Variant Classification Summary - May 2015. Collection method: clinical testing. Allele origin: germline.
Comment: Variant summary: BARD1 c.1973G>A (p.Arg658His) results in a non-conservative amino acid change in the encoded protein sequence. Four of five in-silico tools predict a benign effect of the variant on protein function. The variant allele was found at a frequency of 3.3e-05 in 1613794 control chromosomes, predominantly at a frequency of 0.0002 within the Latino subpopulation in the gnomAD database. This frequency is not significantly higher than estimated for a pathogenic variant in BARD1 causing Hereditary Breast and Ovarian Cancer Syndrome (3.3e-05 vs 0.00025), allowing no conclusion about variant significance. c.1973G>A has been reported in the literature in individuals affected with breast cancer without strong evidence for or against pathogenicity (example: Fonfria_2021, Guindalini_2022). In a large study evaluating breast cancer cases and controls in the Breast Cancer Association Consortium (BCAC) the variant was reported in 8/60466 cases but was also found in 4/53461 controls (Dorling_2021 through LOVD). These report(s) do not provide unequivocal conclusions about association of the variant with Hereditary Breast and Ovarian Cancer Syndrome. To our knowledge, no experimental evidence demonstrating an impact on protein function has been reported. The following publications have been ascertained in the context of this evaluation (PMID: 29769598, 33471991, 34204722). ClinVar contains an entry for this variant (Variation ID: 230212). Based on the evidence outlined above, the variant was classified as VUS-possibly benign.

Myriad Genetics, Inc.
Classification: Likely benign for Familial cancer of breast. Last evaluated: 2024-07-29. Review status: criteria provided, single submitter. Criteria: Myriad Autosomal Dominant, Autosomal Recessive and X-Linked Classification Criteria (2023). Collection method: clinical testing. Allele origin: unknown.
Comment: This variant is considered likely benign. This variant is strongly associated with less severe personal and family histories of cancer, typical for individuals without pathogenic variants in this gene [PMID: 25085752].

Blueprint Genetics
Classification: Likely benign. Last evaluated: 2024-02-27. Review status: criteria provided, single submitter. Criteria: ACMG Guidelines, 2015. Collection method: clinical testing. Allele origin: germline.

Mendelics
Classification: Likely benign for Hereditary cancer. Last evaluated: 2024-01-23. Review status: criteria provided, single submitter. Criteria: ACMG Guidelines, 2015. Collection method: clinical testing. Allele origin: unknown.

Department of Pathology and Laboratory Medicine, Sinai Health System
Classification: Likely benign for Familial cancer of breast. Last evaluated: 2022-11-04. Review status: criteria provided, single submitter. Criteria: ACMG Guidelines, 2015. Collection method: clinical testing. Allele origin: germline. Affected: yes.

National Health Laboratory Service, Universitas Academic Hospital and University of the Free State
Classification: Benign for Hereditary breast ovarian cancer syndrome. Last evaluated: 2022-04-19. Review status: criteria provided, single submitter. Criteria: ACMG Guidelines, 2015. Collection method: clinical testing. Allele origin: germline. Affected: yes. Observed: 1 variant allele.

Sema4
Classification: Uncertain significance for Hereditary cancer-predisposing syndrome. Last evaluated: 2021-12-28. Review status: criteria provided, single submitter. Criteria: Sema4 Curation Guidelines. Collection method: curation. Allele origin: germline.
Comment: The BARD1 c.1973G>A (p.R658H) variant has been reported in heterozygosity in at least eight individuals with breast cancer but was also observed in controls (PMID: 33471991). It was observed in 11/35436 chromosomes, including 0 homozygotes, in the Latino subpopulation in the large and broad cohorts of the Genome Aggregation Database (PMID: 32461654). The variant has been reported in ClinVar (Variation ID: 230212). In silico tools suggest the impact of the variant on protein function is benign, though these predictions have not been confirmed by functional studies. There is no indication that this variant causes disease, but the evidence is insufficient currently to prove that conclusively. Thus, the clinical significance of this variant is currently uncertain.

GeneDx
Classification: Likely benign. Last evaluated: 2019-09-03. Review status: criteria provided, single submitter. Criteria: GeneDx Variant Classification Process June 2021. Collection method: clinical testing. Allele origin: germline. Affected: yes.
Comment: Has not been previously published as pathogenic or benign to our knowledge

Revvity Omics, Revvity
Classification: Uncertain significance. Last evaluated: 2019-08-01. Review status: criteria provided, single submitter. Criteria: ACMG Guidelines, 2015. Collection method: clinical testing. Allele origin: germline.

Ambry Genetics
Classification: Likely benign for Hereditary cancer-predisposing syndrome. Last evaluated: 2018-09-19. Review status: criteria provided, single submitter. Criteria: Ambry Variant Classification Scheme 2023. Collection method: clinical testing. Allele origin: germline.

Color Diagnostics, LLC DBA Color Health
Classification: Likely benign for Hereditary cancer-predisposing syndrome. Last evaluated: 2018-03-14. Review status: criteria provided, single submitter. Criteria: ACMG Guidelines, 2015. Collection method: clinical testing. Allele origin: germline.

Literature cited by the submitters: PubMed 29769598 (cited by 3 submitters); PubMed 35264596 (cited by 3 submitters); PubMed 40649708 (cited by Labcorp Genetics (formerly Invitae), Labcorp and Dipartimento Di Medicina Di Precisione, Università Degli Studi Della Campania Luigi Vanvitelli); PubMed 29641532 (cited by Quest Diagnostics Nichols Institute San Juan Capistrano); PubMed 35739269 (cited by Quest Diagnostics Nichols Institute San Juan Capistrano); PubMed 25186627 (cited by Quest Diagnostics Nichols Institute San Juan Capistrano); PubMed 38153744 (cited by Quest Diagnostics Nichols Institute San Juan Capistrano); PubMed 34204722 (cited by Quest Diagnostics Nichols Institute San Juan Capistrano and Women's Health and Genetics/Laboratory Corporation of America, LabCorp); PubMed 33471991 (cited by 3 submitters); PubMed 25085752 (cited by Myriad Genetics, Inc.).